The following is an entry in ClinVar:

NM_001036.6(RYR3):c.10720G>A (p.Asp3574Asn)

Gene: RYR3 (ryanodine receptor 3; plus strand). Cytogenetic location: 15q14.
Variant type: single nucleotide variant.
Coding change: c.10720G>A on transcript NM_001036.6 (MANE Select); coding-DNA position 10720, G replaced by A.
Protein change: p.Asp3574Asn; replaces aspartic acid 3574 with asparagine.
Molecular consequence: missense variant.
Genome position (GRCh38, 1-based): chr15:33,819,769, G>A. VCF-style: chr15-33819769-G-A. GRCh37 (hg19) VCF-style: chr15-34111970-G-A.
Other names: c.10705G>A, p.Asp3569Asn (NM_001243996.4); short protein forms D3569N, D3574N.
Identifiers: ClinVar variation 954607 (VCV000954607.9), dbSNP rs370636001, ClinGen allele CA7460949.
Genomic context (GRCh38, chr15:33,819,769, plus strand): 5'-AATAAATAAATAAAAAGCCTGCTAAATATTTCCTCCATTCTTTCCAGCAAATTGGAAGAC[G>A]ACCCTTTGTACACCTCCTATTCCAGCATGATGGCCAAGGTACACCCAGGTTTTCTGCCCA-3'
Protein context (NP_001027.3, residues 3564-3584): ALTERSKLED[Asp3574Asn]PLYTSYSSMM

ClinVar aggregate classification (germline): Uncertain significance (1 of 4 stars; one submission).

Conditions:
Epileptic encephalopathy. Identifiers: MedGen C0543888, HP:0200134.

Allele frequency attached by ClinVar (database versions not stated): ExAC 0.00002; gnomAD 0.00003; TOPMed 0.00003; ESP Exome Variant Server 0.00008.
gnomAD v4.1: 42 of 1,538,116 alleles (0.0027%); highest among the groups gnomAD compares: African/African-American, 0.0041%; no homozygotes.

Submission:

Labcorp Genetics (formerly Invitae), Labcorp
Classification: Uncertain significance for Epileptic encephalopathy. Last evaluated: 2022-09-06. Review status: criteria provided, single submitter. Criteria: Invitae Variant Classification Sherloc (09022015). Collection method: clinical testing. Allele origin: germline.
Comment: In summary, the available evidence is currently insufficient to determine the role of this variant in disease. Therefore, it has been classified as a Variant of Uncertain Significance. Algorithms developed to predict the effect of missense changes on protein structure and function are either unavailable or do not agree on the potential impact of this missense change (SIFT: "Deleterious"; PolyPhen-2: "Probably Damaging"; Align-GVGD: "Class C0"). ClinVar contains an entry for this variant (Variation ID: 954607). This variant has not been reported in the literature in individuals affected with RYR3-related conditions. This variant is present in population databases (rs370636001, gnomAD 0.01%). This sequence change replaces aspartic acid, which is acidic and polar, with asparagine, which is neutral and polar, at codon 3574 of the RYR3 protein (p.Asp3574Asn).